The following is an entry in ClinVar:

ClinVar aggregate classification (germline): Uncertain significance. Review status: criteria provided, single submitter (1 of 4 stars). 2 submissions from 1 submitter: Uncertain significance (2). Last evaluated 2015-07-03.

Conditions:
Juvenile polyposis syndrome (JPS). Identifiers: Orphanet 2929, MedGen C0345893, MONDO:0017380, OMIM 174900.
Generalized juvenile polyposis/juvenile polyposis coli. Also called: Juvenile polyposis coli. Identifiers: Orphanet 329971, MedGen C1868081, MONDO:0008276.

Submissions (2):

Labcorp Genetics (formerly Invitae), Labcorp
Classification: Uncertain significance for Juvenile polyposis syndrome. Last evaluated: 2015-07-03. Review status: criteria provided, single submitter. Criteria: Invitae Variant Classification Sherloc (09022015). Collection method: clinical testing. Allele origin: germline.
Comment: This variant, c.1323_1325delTCG, is a complex sequence change that results in the deletion of 1 amino acids of the BMPR1A protein (p.Arg442del). This variant has not been published in the literature and is not present in population databases. In summary, this is a novel missense change with uncertain impact on protein function. It has been classified as a Variant of Uncertain Significance.

Labcorp Genetics (formerly Invitae), Labcorp
Classification: Uncertain significance for Juvenile polyposis syndrome. Last evaluated: 2015-07-03. Review status: criteria provided, single submitter. Criteria: Invitae Variant Classification Sherloc (09022015). Collection method: clinical testing. Allele origin: germline.
Comment: In summary, this is a novel missense change with uncertain impact on protein function. It has been classified as a Variant of Uncertain Significance. This variant has not been published in the literature and is not present in population databases. This variant, c.1323_1325delTCG, is a complex sequence change that results in the deletion of 1 amino acids of the BMPR1A protein (p.Arg442del).

NM_004329.3(BMPR1A):c.1324CGT[1] (p.Arg443del)

Gene: BMPR1A (bone morphogenetic protein receptor type 1A; plus strand). Cytogenetic location: 10q23.2.
Variant type: Microsatellite.
Coding change: c.1324CGT[1] on transcript NM_004329.3 (MANE Select); one copy of the 3-base unit CGT starting at c.1324; the reference has two copies in a row; one copy, 3 bases deleted.
Protein change: p.Arg443del; deletes arginine 443.
Molecular consequence: inframe deletion.
Genome position (GRCh38, 1-based): chr10:86,921,680-86,921,682, CGT deleted; deleting any 3 consecutive bases within chr10:86,921,676-86,921,682 gives the same sequence; the position shown is the placement nearest the transcript's 3' end. VCF-style (leftmost placement, unchanged base first): chr10-86921675-CTCG-C. GRCh37 (hg19) VCF-style: chr10-88681432-CTCG-C.
Other names: c.1323_1325delTCG (NM_004329.2); short protein forms R443del.
Identifiers: ClinVar variation 219412 (VCV000219412.10), dbSNP rs864622075, ClinGen allele CA349898.